The following is an entry in ClinVar:

NM_001098.3(ACO2):c.1558AAG[1] (p.Lys521del)

Gene: ACO2 (aconitase 2; plus strand). Cytogenetic location: 22q13.2.
Variant type: Microsatellite.
Coding change: c.1558AAG[1] on transcript NM_001098.3 (MANE Select); one copy of the 3-base unit AAG starting at c.1558; the reference has two copies in a row; one copy, 3 bases deleted.
Protein change: p.Lys521del; deletes lysine 521.
Molecular consequence: inframe deletion.
Genome position (GRCh38, 1-based): chr22:41,524,924-41,524,926, AAG deleted; deleting any 3 consecutive bases within chr22:41,524,921-41,524,926 gives the same sequence; the position shown is the placement nearest the transcript's 3' end. VCF-style (leftmost placement, unchanged base first): chr22-41524920-CAAG-C. GRCh37 (hg19) VCF-style: chr22-41920924-CAAG-C.
Other names: short protein forms K521del.
Identifiers: ClinVar variation 1371922 (VCV001371922.9), dbSNP rs750451539, ClinGen allele CA10257699.

ClinVar aggregate classification (germline): Uncertain significance. Review status: criteria provided, multiple submitters, no conflicts (2 of 4 stars). 2 submissions from 2 submitters: Uncertain significance (2). Last evaluated 2024-10-30.

Submissions (2):

Labcorp Genetics (formerly Invitae), Labcorp
Classification: Uncertain significance. Last evaluated: 2024-10-30. Review status: criteria provided, single submitter. Criteria: Invitae Variant Classification Sherloc (09022015). Collection method: clinical testing. Allele origin: germline.
Comment: This variant, c.1561_1563del, results in the deletion of 1 amino acid(s) of the ACO2 protein (p.Lys521del), but otherwise preserves the integrity of the reading frame. This variant is present in population databases (rs750451539, gnomAD 0.003%). This variant has not been reported in the literature in individuals affected with ACO2-related conditions. Experimental studies and prediction algorithms are not available or were not evaluated, and the functional significance of this variant is currently unknown. In summary, the available evidence is currently insufficient to determine the role of this variant in disease. Therefore, it has been classified as a Variant of Uncertain Significance.

Blueprint Genetics
Classification: Uncertain significance. Last evaluated: 2024-06-12. Review status: criteria provided, single submitter. Criteria: ACMG Guidelines, 2015. Collection method: clinical testing. Allele origin: germline.